The following is an entry in ClinVar:

ClinVar aggregate classification (germline): Uncertain significance. Review status: criteria provided, multiple submitters, no conflicts (2 of 4 stars). 3 submissions from 3 submitters: Uncertain significance (3). Last evaluated 2024-04-23.

Conditions:
Cranioectodermal dysplasia 1 (CED1). Also called: LEVIN SYNDROME I. Identifiers: Orphanet 1515, MedGen C0432235, MONDO:0021093, OMIM 218330.
Inborn genetic diseases. Identifiers: MedGen C0950123, MeSH D030342.

Allele frequency attached by ClinVar (database versions not stated): gnomAD 0.00001; gnomAD exomes 0.00001 and 0.00003; TOPMed 0.00001; ExAC 0.00003.
gnomAD v4.1: 15 of 1,610,344 alleles (0.00093%); highest among the groups gnomAD compares: East Asian, 0.0067%; no homozygotes.

Submissions (3):

Fulgent Genetics
Classification: Uncertain significance for Cranioectodermal dysplasia 1. Last evaluated: 2024-04-23. Review status: criteria provided, single submitter. Criteria: ACMG Guidelines, 2015. Collection method: clinical testing. Allele origin: germline.

Ambry Genetics
Classification: Uncertain significance for Inborn genetic diseases. Last evaluated: 2023-12-22. Review status: criteria provided, single submitter. Criteria: Ambry Variant Classification Scheme 2023. Collection method: clinical testing. Allele origin: germline.

Labcorp Genetics (formerly Invitae), Labcorp
Classification: Uncertain significance for Cranioectodermal dysplasia 1. Last evaluated: 2021-11-28. Review status: criteria provided, single submitter. Criteria: Invitae Variant Classification Sherloc (09022015). Collection method: clinical testing. Allele origin: germline.
Comment: In summary, the available evidence is currently insufficient to determine the role of this variant in disease. Therefore, it has been classified as a Variant of Uncertain Significance. Algorithms developed to predict the effect of missense changes on protein structure and function output the following: SIFT: "Tolerated"; PolyPhen-2: "Benign"; Align-GVGD: "Class C15". The cysteine amino acid residue is found in multiple mammalian species, which suggests that this missense change does not adversely affect protein function. This variant has not been reported in the literature in individuals affected with IFT122-related conditions. This variant is present in population databases (rs750010740, gnomAD 0.01%). This sequence change replaces arginine, which is basic and polar, with cysteine, which is neutral and slightly polar, at codon 897 of the IFT122 protein (p.Arg897Cys).

NM_052989.3(IFT122):c.2536C>T (p.Arg846Cys)

Gene: IFT122 (intraflagellar transport 122; plus strand). Cytogenetic location: 3q22.1.
Variant type: single nucleotide variant.
Coding change: c.2536C>T on transcript NM_052989.3 (MANE Select); coding-DNA position 2536, C replaced by T.
Protein change: p.Arg846Cys; replaces arginine 846 with cysteine.
Molecular consequence: missense variant.
Genome position (GRCh38, 1-based): chr3:129,502,871, C>T. VCF-style: chr3-129502871-C-T. GRCh37 (hg19) VCF-style: chr3-129221714-C-T.
Other names: c.2512C>T, p.Arg838Cys (NM_001280541.2); c.2086C>T, p.Arg696Cys (NM_001280545.2); c.1909C>T, p.Arg637Cys (NM_001280546.2); c.2359C>T, p.Arg787Cys (NM_018262.4); c.2689C>T, p.Arg897Cys (NM_052985.4); c.2203C>T, p.Arg735Cys (NM_052990.3); c.2689C>T (NM_052985.2); short protein forms R846C, R897C, R637C, R696C, R787C, R735C, R838C.
Identifiers: ClinVar variation 1428898 (VCV001428898.8), dbSNP rs750010740, ClinGen allele CA2606544.